The following is an entry in ClinVar:

ClinVar aggregate classification (germline): Uncertain significance. Review status: criteria provided, multiple submitters, no conflicts (2 of 4 stars). 2 submissions from 2 submitters: Uncertain significance (2). Last evaluated 2025-05-07.

Submissions (2):

Dasa
Classification: Uncertain significance. Last evaluated: 2025-05-07. Review status: criteria provided, single submitter. Criteria: DASA Assertion Criteria. Collection method: clinical testing. Allele origin: germline.
Comment: NM_018489.3(ASH1L):c.6646A>G (p.Ile2216Val) is a missense variant that results in the substitution of isoleucine with valine. This variant is rare in population databases. Computational prediction algorithms are consistent with a benign effect. The currently available literature and clinical evidence are not sufficient to establish a definitive association between this variant and the reported condition. Therefore, this variant is classified as a variant of uncertain significance.

GeneDx
Classification: Uncertain significance. Last evaluated: 2023-06-27. Review status: criteria provided, single submitter. Criteria: GeneDx Variant Classification Process June 2021. Collection method: clinical testing. Allele origin: germline. Affected: yes.
Comment: Not observed at significant frequency in large population cohorts (gnomAD); In silico analysis supports that this missense variant does not alter protein structure/function; Has not been previously published as pathogenic or benign to our knowledge

NM_018489.3(ASH1L):c.6646A>G (p.Ile2216Val)

Gene: ASH1L (ASH1 like histone lysine methyltransferase; minus strand). Cytogenetic location: 1q22.
Variant type: single nucleotide variant.
Coding change: c.6646A>G on transcript NM_018489.3 (MANE Select); coding-DNA position 6646, A replaced by G.
Protein change: p.Ile2216Val; replaces isoleucine 2216 with valine.
Molecular consequence: missense variant.
Genome position (GRCh38, 1-based): chr1:155,370,544, T>C on the plus strand (A>G on the coding strand, the complement: ASH1L is on the minus strand). VCF-style: chr1-155370544-T-C. GRCh37 (hg19) VCF-style: chr1-155340335-T-C.
Other names: c.6661A>G, p.Ile2221Val (NM_001366177.2); short protein forms I2216V, I2221V.
Identifiers: ClinVar variation 3360543 (VCV003360543.3).